The following is an entry in ClinVar:

NM_001384910.1(GUCA1A):c.532C>T (p.Arg178Cys)

Genes: GUCA1ANB-GUCA1A (GUCA1ANB-GUCA1A readthrough; plus strand), GUCA1A (guanylate cyclase activator 1A; plus strand). Cytogenetic location: 6p21.1.
Variant type: single nucleotide variant.
Coding change: c.532C>T on transcript NM_001384910.1 (MANE Select); coding-DNA position 532, C replaced by T.
Protein change: p.Arg178Cys; replaces arginine 178 with cysteine.
Molecular consequence: missense variant.
Genome position (GRCh38, 1-based): chr6:42,179,329, C>T. VCF-style: chr6-42179329-C-T. GRCh37 (hg19) VCF-style: chr6-42147067-C-T.
Other names: c.532C>T, p.Arg178Cys (NM_000409.5, NM_001319061.2, NM_001319062.2); short protein forms R178C.
Identifiers: ClinVar variation 1713877 (VCV001713877.5), dbSNP rs1166383723, ClinGen allele CA364110468.

ClinVar aggregate classification (germline): Uncertain significance (1 of 4 stars; one submission).

Allele frequency attached by ClinVar (database versions not stated): gnomAD 0.00001; TOPMed 0.00001.

Submission:

Labcorp Genetics (formerly Invitae), Labcorp
Classification: Uncertain significance. Last evaluated: 2022-07-26. Review status: criteria provided, single submitter. Criteria: Invitae Variant Classification Sherloc (09022015). Collection method: clinical testing. Allele origin: germline.
Comment: In summary, the available evidence is currently insufficient to determine the role of this variant in disease. Therefore, it has been classified as a Variant of Uncertain Significance. Algorithms developed to predict the effect of missense changes on protein structure and function are either unavailable or do not agree on the potential impact of this missense change (SIFT: "Not Available"; PolyPhen-2: "Benign"; Align-GVGD: "Not Available"). This variant has not been reported in the literature in individuals affected with GUCA1A-related conditions. This variant is not present in population databases (gnomAD no frequency). This sequence change replaces arginine, which is basic and polar, with cysteine, which is neutral and slightly polar, at codon 178 of the GUCA1A protein (p.Arg178Cys).